The following is an entry in ClinVar:

ClinVar aggregate classification (germline): Pathogenic/Likely pathogenic. Review status: criteria provided, multiple submitters, no conflicts (2 of 4 stars). 4 submissions from 4 submitters: Pathogenic (1); Likely pathogenic (3). Last evaluated 2025-06-06.

Conditions:
Retinitis pigmentosa (RP). Identifiers: Orphanet 791, MedGen C0035334, MeSH D012174, MONDO:0019200, OMIM 268000. Inheritance: Autosomal dominant, autosomal recessive and X linked inheritance.
PRPF31-related disorder. Also called: PRPF31-related condition.

Submissions (4):

Labcorp Genetics (formerly Invitae), Labcorp
Classification: Pathogenic. Last evaluated: 2025-06-06. Review status: criteria provided, single submitter. Criteria: Invitae Variant Classification Sherloc (09022015). Collection method: clinical testing. Allele origin: germline.
Comment: This sequence change affects an acceptor splice site in intron 3 of the PRPF31 gene. It is expected to disrupt RNA splicing. Variants that disrupt the donor or acceptor splice site typically lead to a loss of protein function (PMID: 16199547), and loss-of-function variants in PRPF31 are known to be pathogenic (PMID: 18317597, 23950152). This variant is not present in population databases (gnomAD no frequency). Disruption of this splice site has been observed in individuals with inherited retinal dystrophy (PMID: 33090715; internal data). ClinVar contains an entry for this variant (Variation ID: 804347). Algorithms developed to predict the effect of sequence changes on RNA splicing suggest that this variant may disrupt the consensus splice site. For these reasons, this variant has been classified as Pathogenic.

Blueprint Genetics
Classification: Likely pathogenic for PRPF31-related disorders. Last evaluated: 2022-04-08. Review status: criteria provided, single submitter. Criteria: ACMG Guidelines, 2015. Collection method: clinical testing. Allele origin: germline. Affected: yes. Observed: 1 variant allele.

Institute of Medical Genetics and Applied Genomics, University Hospital Tübingen
Classification: Likely pathogenic. Last evaluated: 2021-06-17. Review status: criteria provided, single submitter. Criteria: ACMG Guidelines, 2015. Collection method: clinical testing. Allele origin: germline. Inheritance: Autosomal dominant inheritance. Affected: yes.

Molecular Diagnostics Laboratory, M Health Fairview: University of Minnesota
Classification: Likely pathogenic for Retinitis pigmentosa. Last evaluated: 2019-05-30. Review status: criteria provided, single submitter. Criteria: ACMG Guidelines, 2015. Collection method: clinical testing. Allele origin: germline. Affected: yes. Observed: 1 variant allele.

Literature cited by the submitters: PubMed 16199547 (cited by Labcorp Genetics (formerly Invitae), Labcorp); PubMed 18317597 (cited by Labcorp Genetics (formerly Invitae), Labcorp); PubMed 23950152 (cited by Labcorp Genetics (formerly Invitae), Labcorp); PubMed 33090715 (cited by Labcorp Genetics (formerly Invitae), Labcorp).

NM_015629.4(PRPF31):c.239-2A>G

Genes: PRPF31 (pre-mRNA processing factor 31; plus strand), PRPF31-AS1 (PRPF31 antisense RNA 1; minus strand). Cytogenetic location: 19q13.42.
Variant type: single nucleotide variant.
Coding change: c.239-2A>G on transcript NM_015629.4 (MANE Select); the canonical splice acceptor site of the intron before coding-DNA position 239, A replaced by G.
Molecular consequence: splice acceptor variant.
Genome position (GRCh38, 1-based): chr19:54,121,858, A>G. VCF-style: chr19-54121858-A-G. GRCh37 (hg19) VCF-style: chr19-54625237-A-G.
Identifiers: ClinVar variation 804347 (VCV000804347.9), dbSNP rs1600334904, ClinGen allele CA407749015.